The following is an entry in ClinVar:

NM_000044.6(AR):c.2383T>G (p.Phe795Val)

Gene: AR (androgen receptor; plus strand). Cytogenetic location: Xq12.
Variant type: single nucleotide variant.
Coding change: c.2383T>G on transcript NM_000044.6 (MANE Select); coding-DNA position 2383, T replaced by G.
Protein change: p.Phe795Val; replaces phenylalanine 795 with valine.
Molecular consequence: missense variant.
Genome position (GRCh38, 1-based): chrX:67,721,897, T>G. VCF-style: chrX-67721897-T-G. GRCh37 (hg19) VCF-style: chrX-66941739-T-G.
Other names: c.787T>G, p.Phe263Val (NM_001011645.3); short protein forms F795V, F263V.
Identifiers: ClinVar variation 1035174 (VCV001035174.9), dbSNP rs1162418613, ClinGen allele CA413426724.
Genomic context (GRCh38, chrX:67,721,897, plus strand): 5'-CGCATGCACAAGTCCCGGATGTACAGCCAGTGTGTCCGAATGAGGCACCTCTCTCAAGAG[T>G]TTGGATGGCTCCAAATCACCCCCCAGGAATTCCTGTGCATGAAAGCACTGCTACTCTTCA-3'
Protein context (NP_000035.2, residues 785-805): CVRMRHLSQE[Phe795Val]GWLQITPQEF

ClinVar aggregate classification (germline): Uncertain significance (1 of 4 stars; one submission).

Conditions:
Androgen resistance syndrome (AIS). Also called: ANDROGEN RECEPTOR DEFICIENCY; DIHYDROTESTOSTERONE RECEPTOR DEFICIENCY; TESTICULAR FEMINIZATION SYNDROME; Androgen insensitivity syndrome; Androgen insensitivity, complete; DHTR DEFICIENCY. Identifiers: Orphanet 754, Orphanet 99429, MedGen C0039585, MONDO:0019154, OMIM 300068. Disease mechanism: loss of function.
Kennedy disease (SMAX1). Also called: KENNEDY SPINAL AND BULBAR MUSCULAR ATROPHY; Spinal and Bulbar Muscular Atrophy; SPINAL AND BULBAR MUSCULAR ATROPHY, X-LINKED 1. Identifiers: Orphanet 481, MedGen C1839259, MONDO:0010735, OMIM 313200.

Submission:

Labcorp Genetics (formerly Invitae), Labcorp
Classification: Uncertain significance for Kennedy disease; Androgen resistance syndrome. Last evaluated: 2020-02-14. Review status: criteria provided, single submitter. Criteria: Invitae Variant Classification Sherloc (09022015). Collection method: clinical testing. Allele origin: germline.
Comment: Algorithms developed to predict the effect of missense changes on protein structure and function are either unavailable or do not agree on the potential impact of this missense change (SIFT: "Deleterious"; PolyPhen-2: "Possibly Damaging"; Align-GVGD: "Class C0"). This sequence change replaces phenylalanine with valine at codon 795 of the AR protein (p.Phe795Val). The phenylalanine residue is highly conserved and there is a small physicochemical difference between phenylalanine and valine. This variant is not present in population databases (ExAC no frequency). This variant has not been reported in the literature in individuals with AR-related conditions. Algorithms developed to predict the effect of sequence changes on RNA splicing suggest that this variant may create or strengthen a splice site, but this prediction has not been confirmed by published transcriptional studies. In summary, the available evidence is currently insufficient to determine the role of this variant in disease. Therefore, it has been classified as a Variant of Uncertain Significance.